The following is an entry in ClinVar:

ClinVar aggregate classification (germline): Uncertain significance. Review status: criteria provided, multiple submitters, no conflicts (2 of 4 stars). 2 submissions from 2 submitters: Uncertain significance (2). Last evaluated 2024-10-15.

Conditions:
Charcot-Marie-Tooth disease axonal type 2V. Also called: CHARCOT-MARIE-TOOTH NEUROPATHY, TYPE 2V; CHARCOT-MARIE-TOOTH DISEASE, AXONAL, AUTOSOMAL DOMINANT, TYPE 2V. Identifiers: Orphanet 447964, MedGen C5569050, MONDO:0014665, OMIM 616491.
Mucopolysaccharidosis, MPS-III-B (MPS3B). Also called: MPS IIIB (Sanfilippo Syndrome Type B); N-ACETYL-ALPHA-D-GLUCOSAMINIDASE DEFICIENCY; NAGLU DEFICIENCY; MUCOPOLYSACCHARIDOSIS, TYPE IIIB; Mucopolysaccharidosis type IIIB (Sanfilippo B); SANFILIPPO SYNDROME B. Identifiers: Orphanet 79270, MedGen C0086648, MONDO:0009656, OMIM 252920.

Allele frequency attached by ClinVar (database versions not stated): gnomAD 0.00001; ExAC 0.00002; gnomAD exomes 0.00001; TOPMed 0.00001.

Submissions (2):

Labcorp Genetics (formerly Invitae), Labcorp
Classification: Uncertain significance for Charcot-Marie-Tooth disease axonal type 2V; Mucopolysaccharidosis, MPS-III-B. Last evaluated: 2024-10-15. Review status: criteria provided, single submitter. Criteria: Invitae Variant Classification Sherloc (09022015). Collection method: clinical testing. Allele origin: germline.
Comment: This sequence change replaces valine, which is neutral and non-polar, with isoleucine, which is neutral and non-polar, at codon 253 of the NAGLU protein (p.Val253Ile). This variant is present in population databases (rs764452721, gnomAD 0.009%). This variant has not been reported in the literature in individuals affected with NAGLU-related conditions. ClinVar contains an entry for this variant (Variation ID: 1343459). Invitae Evidence Modeling of protein sequence and biophysical properties (such as structural, functional, and spatial information, amino acid conservation, physicochemical variation, residue mobility, and thermodynamic stability) indicates that this missense variant is not expected to disrupt NAGLU protein function with a negative predictive value of 95%. In summary, the available evidence is currently insufficient to determine the role of this variant in disease. Therefore, it has been classified as a Variant of Uncertain Significance.

Women's Health and Genetics/Laboratory Corporation of America, LabCorp
Classification: Uncertain significance. Last evaluated: 2022-02-24. Review status: criteria provided, single submitter. Criteria: LabCorp Variant Classification Summary - May 2015. Collection method: clinical testing. Allele origin: germline.
Comment: Variant summary: NAGLU c.757G>A (p.Val253Ile) results in a conservative amino acid change located in the Alpha-N-acetylglucosaminidase, tim-barrel domain (IPR024733) of the encoded protein sequence. Four of five in-silico tools predict a benign effect of the variant on protein function. The variant allele was found at a frequency of 1.2e-05 in 249688 control chromosomes. The available data on variant occurrences in the general population are insufficient to allow any conclusion about variant significance. To our knowledge, no occurrence of c.757G>A in individuals affected with Mucopolysaccharidosis Type IIIB (Sanfilippo Syndrome B) and no experimental evidence demonstrating its impact on protein function have been reported. No clinical diagnostic laboratories have submitted clinical-significance assessments for this variant to ClinVar after 2014. Based on the evidence outlined above, the variant was classified as uncertain significance.

NM_000263.4(NAGLU):c.757G>A (p.Val253Ile)

Gene: NAGLU (N-acetyl-alpha-glucosaminidase; plus strand). Cytogenetic location: 17q21.2.
Variant type: single nucleotide variant.
Coding change: c.757G>A on transcript NM_000263.4 (MANE Select); coding-DNA position 757, G replaced by A.
Protein change: p.Val253Ile; replaces valine 253 with isoleucine.
Molecular consequence: missense variant.
Genome position (GRCh38, 1-based): chr17:42,538,748, G>A. VCF-style: chr17-42538748-G-A. GRCh37 (hg19) VCF-style: chr17-40690766-G-A.
Other names: short protein forms V253I.
Identifiers: ClinVar variation 1343459 (VCV001343459.4), dbSNP rs764452721, ClinGen allele CA8576846.